The following is an entry in ClinVar:

ClinVar aggregate classification (germline): Pathogenic (1 of 4 stars; one submission).

Conditions:
Autosomal recessive nonsyndromic hearing loss 4 (DFNB4). Also called: Deafness, autosomal recessive 4; FOXI1-Related Pendred Syndrome; KCNJ10-Related Pendred Syndrome; DEAFNESS, AUTOSOMAL RECESSIVE 4, WITH ENLARGED VESTIBULAR AQUEDUCT, DIGENIC; NEUROSENSORY NONSYNDROMIC RECESSIVE DEAFNESS 4; Nonsyndromic enlarged vestibular aqueduct (NSEVA). Identifiers: Orphanet 90636, MedGen C3538946, MONDO:0010933, OMIM 600791.

Submission:

Institute of Rare Diseases, West China Hospital, Sichuan University
Classification: Pathogenic for Autosomal recessive nonsyndromic hearing loss 4. Last evaluated: 2025-01-09. Review status: criteria provided, single submitter. Criteria: ClinGen HL ACMG Specifications v1. Collection method: research. Allele origin: germline. Affected: yes.
Comment: PVS1;PM3_Strong;PM2_Supporting

NM_000441.2(SLC26A4):c.477del (p.Glu159fs)

Gene: SLC26A4 (solute carrier family 26 member 4; plus strand). Cytogenetic location: 7q22.3.
Variant type: Deletion.
Coding change: c.477del on transcript NM_000441.2 (MANE Select); coding-DNA position 477, one base deleted (A; older notation c.477delA).
Protein change: p.Glu159fs; shifts the reading frame from glutamic acid 159.
Molecular consequence: frameshift variant.
Genome position (GRCh38, 1-based): chr7:107,674,225, A deleted; the last of 2 consecutive A bases (chr7:107,674,224-107,674,225); deleting either gives the same sequence. VCF-style (leftmost placement, unchanged base first): chr7-107674223-GA-G. GRCh37 (hg19) VCF-style: chr7-107314668-GA-G.
Other names: short protein forms E159fs.
Identifiers: ClinVar variation 3601776 (VCV003601776.1).